The following is an entry in ClinVar:

ClinVar aggregate classification (germline): Uncertain significance. Review status: criteria provided, multiple submitters, no conflicts (2 of 4 stars). 3 submissions from 3 submitters: Uncertain significance (3). Last evaluated 2025-11-11.

Conditions:
Hereditary cancer-predisposing syndrome. Also called: Neoplastic Syndromes, Hereditary; Tumor predisposition; Hereditary neoplastic syndrome; Hereditary Cancer Syndrome. Identifiers: Orphanet 140162, MedGen C0027672, MeSH D009386, MONDO:0015356.
Familial adenomatous polyposis 1 (FAP1). Also called: POLYPOSIS, ADENOMATOUS INTESTINAL; FAMILIAL ADENOMATOUS POLYPOSIS 1, ATTENUATED. Identifiers: MedGen C2713442, MONDO:0021056, OMIM 175100. Disease mechanism: loss of function.

Allele frequency attached by ClinVar (database versions not stated): gnomAD exomes below 0.00001.
gnomAD v4.1: 2 of 1,613,964 alleles (0.00012%); highest among the groups gnomAD compares: South Asian, 0.0022%; no homozygotes.

Submissions (3):

Labcorp Genetics (formerly Invitae), Labcorp
Classification: Uncertain significance for Familial adenomatous polyposis 1. Last evaluated: 2025-11-11. Review status: criteria provided, single submitter. Criteria: Invitae Variant Classification Sherloc (09022015). Collection method: clinical testing. Allele origin: germline.
Comment: This sequence change replaces glutamine, which is neutral and polar, with glutamic acid, which is acidic and polar, at codon 1701 of the APC protein (p.Gln1701Glu). This variant is not present in population databases (gnomAD no frequency). This variant has not been reported in the literature in individuals affected with APC-related conditions. ClinVar contains an entry for this variant (Variation ID: 628083). Invitae Evidence Modeling of protein sequence and biophysical properties (such as structural, functional, and spatial information, amino acid conservation, physicochemical variation, residue mobility, and thermodynamic stability) indicates that this missense variant is not expected to disrupt APC protein function with a negative predictive value of 95%. In summary, the available evidence is currently insufficient to determine the role of this variant in disease. Therefore, it has been classified as a Variant of Uncertain Significance.

Color Diagnostics, LLC DBA Color Health
Classification: Uncertain significance for Hereditary cancer-predisposing syndrome. Last evaluated: 2024-03-06. Review status: criteria provided, single submitter. Criteria: ACMG Guidelines, 2015. Collection method: clinical testing. Allele origin: germline.
Comment: This missense variant replaces glutamine with glutamic acid at codon 1701 of the APC protein. Computational prediction suggests that this variant may not impact protein structure and function (internally defined REVEL score threshold <= 0.5, PMID: 27666373). To our knowledge, functional studies have not been reported for this variant. This variant has not been reported in individuals affected with hereditary cancer in the literature. This variant has not been identified in the general population by the Genome Aggregation Database (gnomAD). The available evidence is insufficient to determine the role of this variant in disease conclusively. Therefore, this variant is classified as a Variant of Uncertain Significance.

Ambry Genetics
Classification: Uncertain significance for Hereditary cancer-predisposing syndrome. Last evaluated: 2023-08-14. Review status: criteria provided, single submitter. Criteria: Ambry Variant Classification Scheme 2023. Collection method: clinical testing. Allele origin: germline.
Comment: The p.Q1701E variant (also known as c.5101C>G), located in coding exon 15 of the APC gene, results from a C to G substitution at nucleotide position 5101. The glutamine at codon 1701 is replaced by glutamic acid, an amino acid with highly similar properties. This amino acid position is well conserved in available vertebrate species. In addition, in silico predictors for this gene do not accurately predict pathogenicity. Since supporting evidence is limited at this time, the clinical significance of this alteration remains unclear.

NM_000038.6(APC):c.5101C>G (p.Gln1701Glu)

Gene: APC (APC regulator of Wnt signaling pathway; plus strand). Cytogenetic location: 5q22.2.
Variant type: single nucleotide variant.
Coding change: c.5101C>G on transcript NM_000038.6 (MANE Select); coding-DNA position 5101, C replaced by G.
Protein change: p.Gln1701Glu; replaces glutamine 1701 with glutamic acid.
Molecular consequence: missense variant.
Genome position (GRCh38, 1-based): chr5:112,840,695, C>G. VCF-style: chr5-112840695-C-G. GRCh37 (hg19) VCF-style: chr5-112176392-C-G.
Other names: c.5101C>G, p.Gln1701Glu (NM_001127510.3, NM_001354895.2); c.5047C>G, p.Gln1683Glu (NM_001127511.3); c.5155C>G, p.Gln1719Glu (NM_001354896.2); c.5131C>G, p.Gln1711Glu (NM_001354897.2); c.5026C>G, p.Gln1676Glu (NM_001354898.2); c.5017C>G, p.Gln1673Glu (NM_001354899.2); c.4978C>G, p.Gln1660Glu (NM_001354900.2); c.4924C>G, p.Gln1642Glu (NM_001354901.2); and 5 more; short protein forms Q1701E, Q1683E, Q1418E, Q1610E, Q1660E, Q1600E, Q1673E, Q1719E.
Identifiers: ClinVar variation 628083 (VCV000628083.9), dbSNP rs1561597691, ClinGen allele CA16032483.